The following is an entry in ClinVar:

ClinVar aggregate classification (germline): Uncertain significance (1 of 4 stars; one submission).

Conditions:
Spinocerebellar ataxia, autosomal recessive, with axonal neuropathy 2 (SCAN2). Also called: ATAXIA-OCULOMOTOR APRAXIA 2; Ataxia with Oculomotor Apraxia Type 2; Ataxia-ocular apraxia-2; Ataxia with Oculomotor Apraxia. Identifiers: Orphanet 64753, MedGen C1853761, MONDO:0018996, OMIM 606002.
Amyotrophic lateral sclerosis type 4 (ALS4). Also called: NEURONOPATHY, DISTAL HEREDITARY MOTOR, WITH PYRAMIDAL FEATURES; AMYOTROPHIC LATERAL SCLEROSIS 4, JUVENILE. Identifiers: Orphanet 357043, MedGen C1865409, MONDO:0011223, OMIM 602433.

Submission:

Labcorp Genetics (formerly Invitae), Labcorp
Classification: Uncertain significance for Amyotrophic lateral sclerosis type 4; Spinocerebellar ataxia, autosomal recessive, with axonal neuropathy 2. Last evaluated: 2024-03-09. Review status: criteria provided, single submitter. Criteria: Invitae Variant Classification Sherloc (09022015). Collection method: clinical testing. Allele origin: germline.
Comment: This sequence change falls in intron 14 of the SETX gene. It does not directly change the encoded amino acid sequence of the SETX protein. It affects a nucleotide within the consensus splice site. This variant is not present in population databases (gnomAD no frequency). This variant has not been reported in the literature in individuals affected with SETX-related conditions. Variants that disrupt the consensus splice site are a relatively common cause of aberrant splicing (PMID: 17576681, 9536098). Algorithms developed to predict the effect of sequence changes on RNA splicing suggest that this variant is not likely to affect RNA splicing. In summary, the available evidence is currently insufficient to determine the role of this variant in disease. Therefore, it has been classified as a Variant of Uncertain Significance.

Literature cited by the submitters: PubMed 17576681; PubMed 9536098.

NM_015046.7(SETX):c.5950-3T>C

Gene: SETX (senataxin; minus strand). Cytogenetic location: 9q34.13.
Variant type: single nucleotide variant.
Coding change: c.5950-3T>C on transcript NM_015046.7 (MANE Select); 3 bases into the intron before coding-DNA position 5950, T replaced by C.
Molecular consequence: intron variant.
Genome position (GRCh38, 1-based): chr9:132,296,031, A>G on the plus strand (T>C on the coding strand, the complement: SETX is on the minus strand). VCF-style: chr9-132296031-A-G. GRCh37 (hg19) VCF-style: chr9-135171418-A-G.
Other names: c.5950-3T>C (NM_001351528.2, NM_001351527.2).
Identifiers: ClinVar variation 3755197 (VCV003755197.2).